The following is an entry in ClinVar:

ClinVar aggregate classification (germline): Uncertain significance (1 of 4 stars; one submission).

Allele frequency attached by ClinVar (database versions not stated): ExAC 0.00002; gnomAD exomes 0.00003; gnomAD 0.00005; TOPMed 0.00008; ESP Exome Variant Server 0.00015.
gnomAD v4.1: 45 of 1,613,836 alleles (0.0028%); highest among the groups gnomAD compares: African/African-American, 0.024%; no homozygotes.

Submission:

Labcorp Genetics (formerly Invitae), Labcorp
Classification: Uncertain significance. Last evaluated: 2025-06-12. Review status: criteria provided, single submitter. Criteria: Invitae Variant Classification Sherloc (09022015). Collection method: clinical testing. Allele origin: germline.
Comment: This sequence change replaces alanine, which is neutral and non-polar, with valine, which is neutral and non-polar, at codon 2097 of the TRRAP protein (p.Ala2097Val). This variant is present in population databases (rs375596914, gnomAD 0.02%). This variant has not been reported in the literature in individuals affected with TRRAP-related conditions. ClinVar contains an entry for this variant (Variation ID: 2078947). Invitae Evidence Modeling of protein sequence and biophysical properties (such as structural, functional, and spatial information, amino acid conservation, physicochemical variation, residue mobility, and thermodynamic stability) indicates that this missense variant is not expected to disrupt TRRAP protein function with a negative predictive value of 80%. In summary, the available evidence is currently insufficient to determine the role of this variant in disease. Therefore, it has been classified as a Variant of Uncertain Significance.

NM_001375524.1(TRRAP):c.6365C>T (p.Ala2122Val)

Gene: TRRAP (transformation/transcription domain associated protein; plus strand). Cytogenetic location: 7q22.1.
Variant type: single nucleotide variant.
Coding change: c.6365C>T on transcript NM_001375524.1 (MANE Select); coding-DNA position 6365, C replaced by T.
Protein change: p.Ala2122Val; replaces alanine 2122 with valine.
Molecular consequence: missense variant.
Genome position (GRCh38, 1-based): chr7:98,959,366, C>T. VCF-style: chr7-98959366-C-T. GRCh37 (hg19) VCF-style: chr7-98556989-C-T.
Other names: c.6344C>T, p.Ala2115Val (NM_001244580.2); c.6290C>T, p.Ala2097Val (NM_003496.4); short protein forms A2115V, A2097V, A2122V.
Identifiers: ClinVar variation 2078947 (VCV002078947.4), dbSNP rs375596914, ClinGen allele CA4360843.